The following is an entry in ClinVar:

ClinVar aggregate classification (germline): Uncertain significance. Review status: criteria provided, multiple submitters, no conflicts (2 of 4 stars). 3 submissions from 3 submitters: Uncertain significance (3). Last evaluated 2024-12-16.

Conditions:
Hereditary cancer-predisposing syndrome. Also called: Hereditary Cancer Syndrome; Tumor predisposition; Hereditary neoplastic syndrome; Neoplastic Syndromes, Hereditary. Identifiers: Orphanet 140162, MedGen C0027672, MeSH D009386, MONDO:0015356.
Familial adenomatous polyposis 1 (FAP1). Also called: FAMILIAL ADENOMATOUS POLYPOSIS 1, ATTENUATED; POLYPOSIS, ADENOMATOUS INTESTINAL. Identifiers: MedGen C2713442, MONDO:0021056, OMIM 175100. Disease mechanism: loss of function.

Submissions (3):

Ambry Genetics
Classification: Uncertain significance for Hereditary cancer-predisposing syndrome. Last evaluated: 2024-12-16. Review status: criteria provided, single submitter. Criteria: Ambry Variant Classification Scheme 2023. Collection method: clinical testing. Allele origin: germline.
Comment: The p.E2182K variant (also known as c.6544G>A), located in coding exon 15 of the APC gene, results from a G to A substitution at nucleotide position 6544. The glutamic acid at codon 2182 is replaced by lysine, an amino acid with similar properties. This amino acid position is highly conserved in available vertebrate species. In addition, in silico predictors for this gene do not accurately predict pathogenicity. Missense alterations in APC are not a common cause of disease (Spier I et al. Genet Med. 2024 Feb;26(2):100992). Based on the available evidence, the clinical significance of this variant remains unclear.

Color Diagnostics, LLC DBA Color Health
Classification: Uncertain significance for Hereditary cancer-predisposing syndrome. Last evaluated: 2022-08-08. Review status: criteria provided, single submitter. Criteria: ACMG Guidelines, 2015. Collection method: clinical testing. Allele origin: germline.
Comment: This missense variant replaces glutamic acid with lysine at codon 2182 of the APC protein. Computational prediction suggests that this variant may not impact protein structure and function (internally defined REVEL score threshold <= 0.5, PMID: 27666373). To our knowledge, functional studies have not been reported for this variant. This variant has not been reported in individuals affected with hereditary cancer in the literature. This variant has not been identified in the general population by the Genome Aggregation Database (gnomAD). The available evidence is insufficient to determine the role of this variant in disease conclusively. Therefore, this variant is classified as a Variant of Uncertain Significance.

Labcorp Genetics (formerly Invitae), Labcorp
Classification: Uncertain significance for Familial adenomatous polyposis 1. Last evaluated: 2020-05-27. Review status: criteria provided, single submitter. Criteria: Invitae Variant Classification Sherloc (09022015). Collection method: clinical testing. Allele origin: germline.
Comment: This sequence change replaces glutamic acid with lysine at codon 2182 of the APC protein (p.Glu2182Lys). The glutamic acid residue is highly conserved and there is a small physicochemical difference between glutamic acid and lysine. This variant is not present in population databases (ExAC no frequency). This variant has not been reported in the literature in individuals with APC-related conditions. Algorithms developed to predict the effect of missense changes on protein structure and function are either unavailable or do not agree on the potential impact of this missense change (SIFT: "Deleterious"; PolyPhen-2: "Probably Damaging"; Align-GVGD: "Class C15"). In summary, the available evidence is currently insufficient to determine the role of this variant in disease. Therefore, it has been classified as a Variant of Uncertain Significance.

NM_000038.6(APC):c.6544G>A (p.Glu2182Lys)

Gene: APC (APC regulator of Wnt signaling pathway; plus strand). Cytogenetic location: 5q22.2.
Variant type: single nucleotide variant.
Coding change: c.6544G>A on transcript NM_000038.6 (MANE Select); coding-DNA position 6544, G replaced by A.
Protein change: p.Glu2182Lys; replaces glutamic acid 2182 with lysine.
Molecular consequence: missense variant.
Genome position (GRCh38, 1-based): chr5:112,842,138, G>A. VCF-style: chr5-112842138-G-A. GRCh37 (hg19) VCF-style: chr5-112177835-G-A.
Other names: c.6544G>A, p.Glu2182Lys (NM_001127510.3, NM_001354895.2); c.6490G>A, p.Glu2164Lys (NM_001127511.3); c.6598G>A, p.Glu2200Lys (NM_001354896.2); c.6574G>A, p.Glu2192Lys (NM_001354897.2); c.6469G>A, p.Glu2157Lys (NM_001354898.2); c.6460G>A, p.Glu2154Lys (NM_001354899.2); c.6421G>A, p.Glu2141Lys (NM_001354900.2); c.6367G>A, p.Glu2123Lys (NM_001354901.2); and 5 more; short protein forms E2154K, E2200K, E1899K, E2091K, E2056K, E2081K, E2123K, E2141K.
Identifiers: ClinVar variation 1042028 (VCV001042028.15), dbSNP rs1766241478, ClinGen allele CA16035647.